The following is an entry in ClinVar:

NM_004525.3(LRP2):c.13267A>G (p.Thr4423Ala)

Gene: LRP2 (LDL receptor related protein 2; minus strand). Cytogenetic location: 2q31.1.
Variant type: single nucleotide variant.
Coding change: c.13267A>G on transcript NM_004525.3 (MANE Select); coding-DNA position 13267, A replaced by G.
Protein change: p.Thr4423Ala; replaces threonine 4423 with alanine.
Molecular consequence: missense variant.
Genome position (GRCh38, 1-based): chr2:169,139,543, T>C on the plus strand (A>G on the coding strand, the complement: LRP2 is on the minus strand). VCF-style: chr2-169139543-T-C. GRCh37 (hg19) VCF-style: chr2-169996053-T-C.
Other names: short protein forms T4423A.
Identifiers: ClinVar variation 1918014 (VCV001918014.4), dbSNP rs952438444, ClinGen allele CA59913758.

ClinVar aggregate classification (germline): Uncertain significance (1 of 4 stars; one submission).

Allele frequency attached by ClinVar (database versions not stated): TOPMed 0.00002; gnomAD 0.00003.
gnomAD v4.1: 11 of 1,614,082 alleles (0.00068%); highest among the groups gnomAD compares: African/African-American, 0.0053%; no homozygotes.

Submission:

Labcorp Genetics (formerly Invitae), Labcorp
Classification: Uncertain significance. Last evaluated: 2024-12-02. Review status: criteria provided, single submitter. Criteria: Invitae Variant Classification Sherloc (09022015). Collection method: clinical testing. Allele origin: germline.
Comment: This sequence change replaces threonine, which is neutral and polar, with alanine, which is neutral and non-polar, at codon 4423 of the LRP2 protein (p.Thr4423Ala). This variant is not present in population databases (gnomAD no frequency). This variant has not been reported in the literature in individuals affected with LRP2-related conditions. ClinVar contains an entry for this variant (Variation ID: 1918014). Invitae Evidence Modeling of protein sequence and biophysical properties (such as structural, functional, and spatial information, amino acid conservation, physicochemical variation, residue mobility, and thermodynamic stability) indicates that this missense variant is not expected to disrupt LRP2 protein function with a negative predictive value of 95%. In summary, the available evidence is currently insufficient to determine the role of this variant in disease. Therefore, it has been classified as a Variant of Uncertain Significance.